The following is an entry in ClinVar:

NM_004168.4(SDHA):c.896-15T>C

Gene: SDHA (succinate dehydrogenase complex flavoprotein subunit A; plus strand). Cytogenetic location: 5p15.33.
Variant type: single nucleotide variant.
Coding change: c.896-15T>C on transcript NM_004168.4 (MANE Select); 15 bases into the intron before coding-DNA position 896, T replaced by C.
Molecular consequence: intron variant.
Genome position (GRCh38, 1-based): chr5:233,462, T>C. VCF-style: chr5-233462-T-C. GRCh37 (hg19) VCF-style: chr5-233577-T-C.
Other names: c.896-15T>C (NM_001330758.2); c.752-15T>C (NM_001294332.2).
Identifiers: ClinVar variation 3904437 (VCV003904437.1).

ClinVar aggregate classification (germline): Likely benign (1 of 4 stars; one submission).

Conditions:
Pheochromocytoma/paraganglioma syndrome 5. Also called: Paragangliomas 5; SDHA-Related Hereditary Paraganglioma-Pheochromocytoma Syndrome. Identifiers: Orphanet 29072, MedGen C3279992, MONDO:0013602, OMIM 614165.

Submission:

Myriad Genetics, Inc.
Classification: Likely benign for Pheochromocytoma/paraganglioma syndrome 5. Last evaluated: 2025-03-03. Review status: criteria provided, single submitter. Criteria: Myriad Autosomal Dominant, Autosomal Recessive and X-Linked Classification Criteria (2023). Collection method: clinical testing. Allele origin: unknown.
Comment: This variant is considered likely benign. This variant is intronic and is not expected to impact mRNA splicing.